The following is an entry in ClinVar:

NM_004329.3(BMPR1A):c.257T>C (p.Ile86Thr)

Gene: BMPR1A (bone morphogenetic protein receptor type 1A; plus strand). Cytogenetic location: 10q23.2.
Variant type: single nucleotide variant.
Coding change: c.257T>C on transcript NM_004329.3 (MANE Select); coding-DNA position 257, T replaced by C.
Protein change: p.Ile86Thr; replaces isoleucine 86 with threonine.
Molecular consequence: missense variant.
Genome position (GRCh38, 1-based): chr10:86,892,153, T>C. VCF-style: chr10-86892153-T-C. GRCh37 (hg19) VCF-style: chr10-88651910-T-C.
Other names: short protein forms I86T.
Identifiers: ClinVar variation 232019 (VCV000232019.16), dbSNP rs876659498, ClinGen allele CA10578875.
Genomic context (GRCh38, chr10:86,892,153, plus strand): 5'-ATGTTTTGTTTTGTTTTGTTTTTTTCTGTTTTAGAACTAATGGACATTGCTTTGCCATCA[T>C]AGAAGAAGATGACCAGGGAGAAACCACATTAGCTTCAGGGTGTATGAAATATGAAGGATC-3'
Protein context (NP_004320.2, residues 76-96): CITNGHCFAI[Ile86Thr]EEDDQGETTL

ClinVar aggregate classification (germline): Uncertain significance. Review status: criteria provided, multiple submitters, no conflicts (2 of 4 stars). 3 submissions from 3 submitters: Uncertain significance (3). Last evaluated 2025-07-19.

Conditions:
Juvenile polyposis syndrome (JPS). Identifiers: Orphanet 2929, MedGen C0345893, MONDO:0017380, OMIM 174900.
Hereditary cancer-predisposing syndrome. Also called: Hereditary Cancer Syndrome; Neoplastic Syndromes, Hereditary; Tumor predisposition; Hereditary neoplastic syndrome. Identifiers: Orphanet 140162, MedGen C0027672, MeSH D009386, MONDO:0015356.
Polyposis syndrome, hereditary mixed, 2. Identifiers: Orphanet 157794, MedGen C1864730, MONDO:0012405, OMIM 610069.

Allele frequency attached by ClinVar (database versions not stated): TOPMed below 0.00001.

Submissions (3):

Labcorp Genetics (formerly Invitae), Labcorp
Classification: Uncertain significance for Juvenile polyposis syndrome. Last evaluated: 2025-07-19. Review status: criteria provided, single submitter. Criteria: Invitae Variant Classification Sherloc (09022015). Collection method: clinical testing. Allele origin: germline.
Comment: This sequence change replaces isoleucine, which is neutral and non-polar, with threonine, which is neutral and polar, at codon 86 of the BMPR1A protein (p.Ile86Thr). This variant is not present in population databases (gnomAD no frequency). This variant has not been reported in the literature in individuals affected with BMPR1A-related conditions. ClinVar contains an entry for this variant (Variation ID: 232019). Invitae Evidence Modeling of protein sequence and biophysical properties (such as structural, functional, and spatial information, amino acid conservation, physicochemical variation, residue mobility, and thermodynamic stability) has been performed for this missense variant. However, the output from this modeling did not meet the statistical confidence thresholds required to predict the impact of this variant on BMPR1A protein function. In summary, the available evidence is currently insufficient to determine the role of this variant in disease. Therefore, it has been classified as a Variant of Uncertain Significance.

Baylor Genetics
Classification: Uncertain significance for Polyposis syndrome, hereditary mixed, 2. Last evaluated: 2024-01-02. Review status: criteria provided, single submitter. Criteria: ACMG Guidelines, 2015. Collection method: clinical testing. Allele origin: unknown.

Ambry Genetics
Classification: Uncertain significance for Hereditary cancer-predisposing syndrome. Last evaluated: 2022-08-19. Review status: criteria provided, single submitter. Criteria: Ambry Variant Classification Scheme 2023. Collection method: clinical testing. Allele origin: germline.
Comment: The p.I86T variant (also known as c.257T>C), located in coding exon 3 of the BMPR1A gene, results from a T to C substitution at nucleotide position 257. The isoleucine at codon 86 is replaced by threonine, an amino acid with similar properties. This amino acid position is highly conserved in available vertebrate species. In addition, the in silico prediction for this alteration is inconclusive. Since supporting evidence is limited at this time, the clinical significance of this alteration remains unclear.